The following is an entry in ClinVar:

ClinVar aggregate classification (germline): Pathogenic/Likely pathogenic. Review status: criteria provided, multiple submitters, no conflicts (2 of 4 stars). 2 submissions from 2 submitters: Pathogenic (1); Likely pathogenic (1). Last evaluated 2025-06-09.

Conditions:
Primary ciliary dyskinesia. Also called: Ciliary dyskinesia. Identifiers: Orphanet 244, MedGen C0008780, MONDO:0016575, HP:0012265.

Allele frequency attached by ClinVar (database versions not stated): ExAC 0.00003; gnomAD 0.00003; gnomAD exomes 0.00003 and 0.00004; TOPMed 0.00003; ESP Exome Variant Server 0.00008.
gnomAD v4.1: 55 of 1,611,884 alleles (0.0034%); highest among the groups gnomAD compares: East Asian, 0.0045%; no homozygotes.

Submissions (2):

Labcorp Genetics (formerly Invitae), Labcorp
Classification: Pathogenic for Primary ciliary dyskinesia. Last evaluated: 2025-06-09. Review status: criteria provided, single submitter. Criteria: Invitae Variant Classification Sherloc (09022015). Collection method: clinical testing. Allele origin: germline.
Comment: This sequence change affects a donor splice site in intron 5 of the ZMYND10 gene. It is expected to disrupt RNA splicing. Variants that disrupt the donor or acceptor splice site typically lead to a loss of protein function (PMID: 16199547), and loss-of-function variants in ZMYND10 are known to be pathogenic (PMID: 23891469, 23891471). This variant is present in population databases (rs373312648, gnomAD 0.006%). Disruption of this splice site has been observed in individual(s) with ZMYND10-related conditions (internal data). ClinVar contains an entry for this variant (Variation ID: 645306). Algorithms developed to predict the effect of sequence changes on RNA splicing suggest that this variant may disrupt the consensus splice site. For these reasons, this variant has been classified as Pathogenic.

AiLife Diagnostics
Classification: Likely pathogenic. Last evaluated: 2022-01-10. Review status: criteria provided, single submitter. Criteria: ACMG Guidelines, 2015. Collection method: clinical testing. Allele origin: germline. Affected: yes. Observed: 1 variant allele.

Literature cited by the submitters: PubMed 16199547 (cited by Labcorp Genetics (formerly Invitae), Labcorp); PubMed 23891469 (cited by Labcorp Genetics (formerly Invitae), Labcorp); PubMed 23891471 (cited by Labcorp Genetics (formerly Invitae), Labcorp).

NM_015896.4(ZMYND10):c.510+1G>A

Gene: ZMYND10 (zinc finger MYND-type containing 10; minus strand). Cytogenetic location: 3p21.31.
Variant type: single nucleotide variant.
Coding change: c.510+1G>A on transcript NM_015896.4 (MANE Select); the canonical splice donor site of the intron after coding-DNA position 510, G replaced by A.
Molecular consequence: splice donor variant.
Genome position (GRCh38, 1-based): chr3:50,343,306, C>T on the plus strand (G>A on the coding strand, the complement: ZMYND10 is on the minus strand). VCF-style: chr3-50343306-C-T. GRCh37 (hg19) VCF-style: chr3-50380737-C-T.
Other names: c.510+1G>A (NM_001308379.2).
Identifiers: ClinVar variation 645306 (VCV000645306.7), dbSNP rs373312648, ClinGen allele CA2417192.
Genomic context (GRCh38, chr3:50,343,306, plus strand): 5'-CTGCGCAGGCCTTGGGGAACCCAGACCTAGGCTTTCACAACCCTAGGTAACCTCAACCCA[C>T]CTGCATGGGGTTGCTGTCCTGGGATCCCTCCCCCTCAGGGGGGCCACCACAGCCACTCTG-3'